The following is an entry in ClinVar:

ClinVar aggregate classification (germline): Uncertain significance (1 of 4 stars; one submission).

Conditions:
Pyogenic arthritis-pyoderma gangrenosum-acne syndrome (PAPA). Also called: FAMILIAL RECURRENT ARTHRITIS; PAPA SYNDROME. Identifiers: Orphanet 69126, MedGen C1858361, MONDO:0011462, OMIM 604416.

Submission:

Labcorp Genetics (formerly Invitae), Labcorp
Classification: Uncertain significance for Pyogenic arthritis-pyoderma gangrenosum-acne syndrome. Last evaluated: 2021-12-13. Review status: criteria provided, single submitter. Criteria: Invitae Variant Classification Sherloc (09022015). Collection method: clinical testing. Allele origin: germline.
Comment: This sequence change creates a premature translational stop signal (p.Gln179*) in the PSTPIP1 gene. It is expected to result in an absent or disrupted protein product. However, the current clinical and genetic evidence is not sufficient to establish whether loss-of-function variants in PSTPIP1 cause disease. This variant is not present in population databases (gnomAD no frequency). In summary, the available evidence is currently insufficient to determine the role of this variant in disease. Therefore, it has been classified as a Variant of Uncertain Significance. Algorithms developed to predict the effect of sequence changes on RNA splicing suggest that this variant may create or strengthen a splice site. ClinVar contains an entry for this variant (Variation ID: 1056295). This variant has not been reported in the literature in individuals affected with PSTPIP1-related conditions.

NM_003978.5(PSTPIP1):c.535C>T (p.Gln179Ter)

Gene: PSTPIP1 (proline-serine-threonine phosphatase interacting protein 1; plus strand). Cytogenetic location: 15q24.3.
Variant type: single nucleotide variant.
Coding change: c.535C>T on transcript NM_003978.5 (MANE Select); coding-DNA position 535, C replaced by T.
Protein change: p.Gln179Ter; replaces glutamine 179 with a stop codon.
Molecular consequence: nonsense. On other transcripts: non-coding transcript variant (1).
Genome position (GRCh38, 1-based): chr15:77,029,547, C>T. VCF-style: chr15-77029547-C-T. GRCh37 (hg19) VCF-style: chr15-77321888-C-T.
Other names: c.535C>T, p.Gln179Ter (NM_001321135.2); c.508C>T, p.Gln170Ter (NM_001321136.2); c.730C>T, p.Gln244Ter (NM_001321137.1); short protein forms Q170*, Q179*, Q244*.
Identifiers: ClinVar variation 1056295 (VCV001056295.7), dbSNP rs867813339, ClinGen allele CA393520146.